The following is an entry in ClinVar:

NM_001291746.2(REL):c.1709G>A (p.Ser570Asn)

Gene: REL (REL proto-oncogene, NF-kB subunit; plus strand). Cytogenetic location: 2p16.1.
Variant type: single nucleotide variant.
Coding change: c.1709G>A on transcript NM_001291746.2 (MANE Select); coding-DNA position 1709, G replaced by A.
Protein change: p.Ser570Asn; replaces serine 570 with asparagine.
Molecular consequence: missense variant.
Genome position (GRCh38, 1-based): chr2:60,922,480, G>A. VCF-style: chr2-60922480-G-A. GRCh37 (hg19) VCF-style: chr2-61149615-G-A.
Other names: c.1805G>A, p.Ser602Asn (NM_002908.4); short protein forms S602N, S570N.
Identifiers: ClinVar variation 2179344 (VCV002179344.1), dbSNP rs149938178, ClinGen allele CA1672526.
Genomic context (GRCh38, chr2:60,922,480, plus strand): 5'-ACAGTACTAATCCAAACAGTCATGGTTTTGTTCAAGATAGTCAGTATTCAGGTATTGGCA[G>A]TATGCAAAATGAGCAATTGAGTGACTCCTTTCCATATGAATTTTTTCAAGTATAACTTGC-3'
Protein context (NP_001278675.1, residues 560-580): VQDSQYSGIG[Ser570Asn]MQNEQLSDSF

ClinVar aggregate classification (germline): Uncertain significance (1 of 4 stars; one submission).

Allele frequency attached by ClinVar (database versions not stated): ExAC 0.00010; ESP Exome Variant Server 0.00023; gnomAD 0.00030; 1000 Genomes Project 30x 0.00047; 1000 Genomes Project 0.00060.
gnomAD v4.1: 94 of 1,612,322 alleles (0.0058%); highest among the groups gnomAD compares: African/African-American, 0.12%; no homozygotes.

Submission:

Labcorp Genetics (formerly Invitae), Labcorp
Classification: Uncertain significance. Last evaluated: 2022-03-27. Review status: criteria provided, single submitter. Criteria: Invitae Variant Classification Sherloc (09022015). Collection method: clinical testing. Allele origin: germline.
Comment: This sequence change replaces serine, which is neutral and polar, with asparagine, which is neutral and polar, at codon 602 of the REL protein (p.Ser602Asn). This variant is present in population databases (rs149938178, gnomAD 0.1%). This variant has not been reported in the literature in individuals affected with REL-related conditions. Algorithms developed to predict the effect of missense changes on protein structure and function output the following: SIFT: "Tolerated"; PolyPhen-2: "Benign"; Align-GVGD: "Class C0". The asparagine amino acid residue is found in multiple mammalian species, which suggests that this missense change does not adversely affect protein function. In summary, the available evidence is currently insufficient to determine the role of this variant in disease. Therefore, it has been classified as a Variant of Uncertain Significance.